The following is an entry in ClinVar:

ClinVar aggregate classification (germline): Uncertain significance (1 of 4 stars; one submission).

Conditions:
Spermatogenic failure 18. Identifiers: MedGen C4539783, MONDO:0054615, OMIM 617576.
Ciliary dyskinesia, primary, 37 (CILD37). Also called: CILIARY DYSKINESIA, PRIMARY, 37, WITH OR WITHOUT SITUS INVERSUS. Identifiers: MedGen C4539798, MONDO:0033204, OMIM 617577.

Submission:

Labcorp Genetics (formerly Invitae), Labcorp
Classification: Uncertain significance for Ciliary dyskinesia, primary, 37; Spermatogenic failure 18. Last evaluated: 2025-06-03. Review status: criteria provided, single submitter. Criteria: Invitae Variant Classification Sherloc (09022015). Collection method: clinical testing. Allele origin: germline.
Comment: This sequence change replaces glutamine, which is neutral and polar, with lysine, which is basic and polar, at codon 1205 of the DNAH1 protein (p.Gln1205Lys). This variant is not present in population databases (gnomAD no frequency). This variant has not been reported in the literature in individuals affected with DNAH1-related conditions. Invitae Evidence Modeling of protein sequence and biophysical properties (such as structural, functional, and spatial information, amino acid conservation, physicochemical variation, residue mobility, and thermodynamic stability) indicates that this missense variant is not expected to disrupt DNAH1 protein function with a negative predictive value of 80%. In summary, the available evidence is currently insufficient to determine the role of this variant in disease. Therefore, it has been classified as a Variant of Uncertain Significance.

NM_015512.5(DNAH1):c.3613C>A (p.Gln1205Lys)

Gene: DNAH1 (dynein axonemal heavy chain 1; plus strand). Cytogenetic location: 3p21.1.
Variant type: single nucleotide variant.
Coding change: c.3613C>A on transcript NM_015512.5 (MANE Select); coding-DNA position 3613, C replaced by A.
Protein change: p.Gln1205Lys; replaces glutamine 1205 with lysine.
Molecular consequence: missense variant.
Genome position (GRCh38, 1-based): chr3:52,354,975, C>A. VCF-style: chr3-52354975-C-A. GRCh37 (hg19) VCF-style: chr3-52388991-C-A.
Other names: short protein forms Q1205K.
Identifiers: ClinVar variation 4782453 (VCV004782453.1).